The following is an entry in ClinVar:

NM_006949.4(STXBP2):c.1027-3C>T

Gene: STXBP2 (syntaxin binding protein 2; plus strand). Cytogenetic location: 19p13.2.
Variant type: single nucleotide variant.
Coding change: c.1027-3C>T on transcript NM_006949.4 (MANE Select); 3 bases into the intron before coding-DNA position 1027, C replaced by T.
Molecular consequence: intron variant.
Genome position (GRCh38, 1-based): chr19:7,643,162, C>T. VCF-style: chr19-7643162-C-T. GRCh37 (hg19) VCF-style: chr19-7708048-C-T.
Other names: c.1060-3C>T (NM_001272034.2); c.1018-3C>T (NM_001127396.3).
Identifiers: ClinVar variation 967974 (VCV000967974.8), dbSNP rs760320854, ClinGen allele CA9143948.
Genomic context (GRCh38, chr19:7,643,162, plus strand): 5'-CTGTCTGCGTTCTGCCTTGACTCAGCCTTTGTTATCCCCCAACCCCCACCCTGCACCCTG[C>T]AGTATTCTACGCACCTGCATCTAGCAGATGATTGTATGAAGCACTTCAAGGGCTCGGTGG-3'

ClinVar aggregate classification (germline): Uncertain significance (1 of 4 stars; one submission).

Conditions:
Familial hemophagocytic lymphohistiocytosis 5. Also called: STXBP2-Related Familial Hemophagocytic Lymphohistiocytosis (STXBP2-fHLH). Identifiers: Orphanet 540, MedGen C2751293, MONDO:0013135, OMIM 613101.

Allele frequency attached by ClinVar (database versions not stated): ExAC 0.00001; gnomAD exomes 0.00002; TOPMed 0.00003.
gnomAD v4.1: 25 of 1,614,178 alleles (0.0015%); highest among the groups gnomAD compares: Non-Finnish European, 0.0017%; no homozygotes.

Submission:

Labcorp Genetics (formerly Invitae), Labcorp
Classification: Uncertain significance for Familial hemophagocytic lymphohistiocytosis 5. Last evaluated: 2025-11-19. Review status: criteria provided, single submitter. Criteria: Invitae Variant Classification Sherloc (09022015). Collection method: clinical testing. Allele origin: germline.
Comment: This sequence change falls in intron 12 of the STXBP2 gene. It does not directly change the encoded amino acid sequence of the STXBP2 protein. It affects a nucleotide within the consensus splice site. This variant is present in population databases (rs760320854, gnomAD 0.004%). This variant has not been reported in the literature in individuals affected with STXBP2-related conditions. ClinVar contains an entry for this variant (Variation ID: 967974). Variants that disrupt the consensus splice site are a relatively common cause of aberrant splicing (PMID: 17576681, 9536098). Algorithms developed to predict the effect of sequence changes on RNA splicing suggest that this variant is not likely to affect RNA splicing. In summary, the available evidence is currently insufficient to determine the role of this variant in disease. Therefore, it has been classified as a Variant of Uncertain Significance.

Literature cited by the submitters: PubMed 17576681; PubMed 9536098.